The following is an entry in ClinVar:

NM_000518.5(HBB):c.61G>C (p.Val21Leu)

Genes: HBB (hemoglobin subunit beta; minus strand), LOC106099062 (HBB recombination region; plus strand), LOC107133510 (origin of replication at HBB; plus strand). Cytogenetic location: 11p15.4.
Variant type: single nucleotide variant.
Coding change: c.61G>C on transcript NM_000518.5 (MANE Select); coding-DNA position 61, G replaced by C.
Protein change: p.Val21Leu; replaces valine 21 with leucine.
Molecular consequence: missense variant.
Genome position (GRCh38, 1-based): chr11:5,226,961, C>G on the plus strand (G>C on the coding strand, the complement: HBB is on the minus strand). VCF-style: chr11-5226961-C-G. GRCh37 (hg19) VCF-style: chr11-5248191-C-G.
Other names: short protein forms V21L.
Identifiers: ClinVar variation 4536039 (VCV004536039.1).
Genomic context (GRCh38, chr11:5,226,961, plus strand): 5'-TAAACCTGTCTTGTAACCTTGATACCAACCTGCCCAGGGCCTCACCACCAACTTCATCCA[C>G]GTTCACCTTGCCCCACAGGGCAGTAACGGCAGACTTCTCCTCAGGAGTCAGATGCACCAT-3'
Protein context (NP_000509.1, residues 11-31): AVTALWGKVN[Val21Leu]DEVGGEALGR

ClinVar aggregate classification (germline): Uncertain significance (1 of 4 stars; one submission).

gnomAD v4.1: 1 of 1,613,920 alleles (0.000062%); highest among the groups gnomAD compares: Non-Finnish European, 0.000085%; no homozygotes.

Submission:

Women's Health and Genetics/Laboratory Corporation of America, LabCorp
Classification: Uncertain significance. Last evaluated: 2025-09-23. Review status: criteria provided, single submitter. Criteria: LabCorp Variant Classification Summary - May 2015. Collection method: clinical testing. Allele origin: germline.
Comment: Variant summary: HBB c.61G>C (p.Val21Leu) results in a conservative amino acid change in the encoded protein sequence. Algorithms developed to predict the effect of missense changes on protein structure and function all suggest that this variant is likely to be tolerated. The variant was absent in 251260 control chromosomes. The available data on variant occurrences in the general population are insufficient to allow any conclusion about variant significance. To our knowledge, no occurrence of c.61G>C in individuals affected with HBB-related conditions and no experimental evidence demonstrating its impact on protein function have been reported. No submitters have cited clinical-significance assessments for this variant to ClinVar. Based on the evidence outlined above, the variant was classified as uncertain significance.